The following is an entry in ClinVar:

NM_001378454.1(ALMS1):c.5620A>T (p.Lys1874Ter)

Gene: ALMS1 (ALMS1 centrosome and basal body associated protein; plus strand). Cytogenetic location: 2p13.1.
Variant type: single nucleotide variant.
Coding change: c.5620A>T on transcript NM_001378454.1 (MANE Select); coding-DNA position 5620, A replaced by T.
Protein change: p.Lys1874Ter; replaces lysine 1874 with a stop codon.
Molecular consequence: nonsense.
Genome position (GRCh38, 1-based): chr2:73,452,147, A>T. VCF-style: chr2-73452147-A-T. GRCh37 (hg19) VCF-style: chr2-73679274-A-T.
Other names: c.5623A>T, p.Lys1875Ter (NM_015120.4); short protein forms K1874*, K1875*.
Identifiers: ClinVar variation 1724389 (VCV001724389.5), dbSNP rs886038614, ClinGen allele CA347282758.
Genomic context (GRCh38, chr2:73,452,147, plus strand): 5'-AGAGAGCACTCTGTCATTTCTTATGAGCAGGAGTTGCCAGATCTTACTGAAGTAACTTTG[A>T]AAGCAATAGGGGTTCCTGGGCCTGCTGACCAGAAGACTGGGATACAAATAGCATCCTCTA-3'

ClinVar aggregate classification (germline): Pathogenic/Likely pathogenic. Review status: criteria provided, multiple submitters, no conflicts (2 of 4 stars). 2 submissions from 2 submitters: Pathogenic (1); Likely pathogenic (1). Last evaluated 2023-05-19.

Conditions:
Alstrom syndrome (ALMS). Identifiers: Orphanet 64, MedGen C0268425, MONDO:0008763, OMIM 203800.

Submissions (2):

Labcorp Genetics (formerly Invitae), Labcorp
Classification: Pathogenic for Alstrom syndrome. Last evaluated: 2023-05-19. Review status: criteria provided, single submitter. Criteria: Invitae Variant Classification Sherloc (09022015). Collection method: clinical testing. Allele origin: germline.
Comment: This variant is not present in population databases (gnomAD no frequency). This sequence change creates a premature translational stop signal (p.Lys1875*) in the ALMS1 gene. It is expected to result in an absent or disrupted protein product. Loss-of-function variants in ALMS1 are known to be pathogenic (PMID: 17594715). This variant has not been reported in the literature in individuals affected with ALMS1-related conditions. ClinVar contains an entry for this variant (Variation ID: 1724389). For these reasons, this variant has been classified as Pathogenic.

Myriad Genetics, Inc.
Classification: Likely pathogenic for Alstrom syndrome. Last evaluated: 2022-02-12. Review status: criteria provided, single submitter. Criteria: Myriad Women's Health Autosomal Recessive and X-Linked Classification Criteria (2021). Collection method: clinical testing. Allele origin: unknown.
Comment: NM_015120.4(ALMS1):c.5623A>T(K1875*) is expected to be pathogenic in the context of Alstrom syndrome. This variant is predicted to lead to an abnormal or absent protein product due to the creation of a premature termination codon in ALMS1, a gene where loss-of-function variants are known to be pathogenic. Please note: this variant was assessed in the context of healthy population screening.

Literature cited by the submitters: PubMed 17594715 (cited by Labcorp Genetics (formerly Invitae), Labcorp).